The following is an entry in ClinVar:

ClinVar aggregate classification (germline): Likely benign (0 of 4 stars; one submission).

Conditions:
NDUFB8-related disorder. Also called: NDUFB8-related condition.

Submission:

PreventionGenetics, part of Exact Sciences
Classification: Likely benign for NDUFB8-related condition. Last evaluated: 2020-07-01. Review status: no assertion criteria provided. Collection method: clinical testing. Allele origin: germline.
Comment: This variant is classified as likely benign based on ACMG/AMP sequence variant interpretation guidelines (Richards et al. 2015 PMID: 25741868, with internal and published modifications).

NM_005004.4(NDUFB8):c.213-11_213-9dup

Gene: NDUFB8 (NADH:ubiquinone oxidoreductase subunit B8; minus strand). Cytogenetic location: 10q24.31.
Variant type: Duplication.
Coding change: c.213-11_213-9dup on transcript NM_005004.4 (MANE Select); 11 bases into the intron before coding-DNA position 213 through 9 bases into the intron before coding-DNA position 213, 3 bases duplicated (CTG; older notation c.213-11_213-9dupCTG).
Molecular consequence: intron variant.
Genome position (GRCh38, 1-based): chr10:100,527,083-100,527,085, CAG duplicated on the plus strand (CTG on the coding strand, the reverse complement: NDUFB8 is on the minus strand); duplicating any 3 consecutive bases within chr10:100,527,083-100,527,087 gives the same sequence; the c. name uses the placement nearest the transcript's 3' end. VCF-style (leftmost placement, unchanged base first): chr10-100527082-A-ACAG. GRCh37 (hg19) VCF-style: chr10-102286839-A-ACAG.
Other names: c.120-11_120-9dup (NM_001284368.1); c.213-11_213-9dup (NM_001284367.2).
Identifiers: ClinVar variation 3036656 (VCV003036656.2), dbSNP rs780864175, ClinGen allele CA5650206.